The following is an entry in ClinVar:

NM_033118.4(MYLK2):c.365A>T (p.Asp122Val)

Gene: MYLK2 (myosin light chain kinase 2; plus strand). Cytogenetic location: 20q11.21.
Variant type: single nucleotide variant.
Coding change: c.365A>T on transcript NM_033118.4 (MANE Select); coding-DNA position 365, A replaced by T.
Protein change: p.Asp122Val; replaces aspartic acid 122 with valine.
Molecular consequence: missense variant.
Genome position (GRCh38, 1-based): chr20:31,820,438, A>T. VCF-style: chr20-31820438-A-T. GRCh37 (hg19) VCF-style: chr20-30408241-A-T.
Other names: short protein forms D122V.
Identifiers: ClinVar variation 2814617 (VCV002814617.3), dbSNP rs2515451467, ClinGen allele CA408525453.

ClinVar aggregate classification (germline): Uncertain significance (1 of 4 stars; one submission).

Conditions:
Hypertrophic cardiomyopathy 1 (CMH1). Also called: Familial hypertrophic cardiomyopathy 1; MYH7-Related Familial Hypertrophic Cardiomyopathy. Identifiers: MedGen C3495498, MONDO:0008647, OMIM 192600.

Submission:

Labcorp Genetics (formerly Invitae), Labcorp
Classification: Uncertain significance for Hypertrophic cardiomyopathy 1. Last evaluated: 2022-11-16. Review status: criteria provided, single submitter. Criteria: Invitae Variant Classification Sherloc (09022015). Collection method: clinical testing. Allele origin: germline.
Comment: In summary, the available evidence is currently insufficient to determine the role of this variant in disease. Therefore, it has been classified as a Variant of Uncertain Significance. Advanced modeling of protein sequence and biophysical properties (such as structural, functional, and spatial information, amino acid conservation, physicochemical variation, residue mobility, and thermodynamic stability) performed at Invitae indicates that this missense variant is not expected to disrupt MYLK2 protein function. This variant has not been reported in the literature in individuals affected with MYLK2-related conditions. This variant is not present in population databases (gnomAD no frequency). This sequence change replaces aspartic acid, which is acidic and polar, with valine, which is neutral and non-polar, at codon 122 of the MYLK2 protein (p.Asp122Val).